The following is an entry in ClinVar:

ClinVar aggregate classification (germline): Uncertain significance (1 of 4 stars; one submission).

Allele frequency attached by ClinVar (database versions not stated): TOPMed below 0.00001; gnomAD 0.00001; gnomAD exomes 0.00001.
gnomAD v4.1: 33 of 1,613,224 alleles (0.002%); highest among the groups gnomAD compares: Non-Finnish European, 0.0027%; no homozygotes.

Submission:

Labcorp Genetics (formerly Invitae), Labcorp
Classification: Uncertain significance. Last evaluated: 2022-02-18. Review status: criteria provided, single submitter. Criteria: Invitae Variant Classification Sherloc (09022015). Collection method: clinical testing. Allele origin: germline.
Comment: This sequence change replaces histidine, which is basic and polar, with arginine, which is basic and polar, at codon 1154 of the RIMS1 protein (p.His1154Arg). This variant is present in population databases (no rsID available, gnomAD 0.003%). This variant has not been reported in the literature in individuals affected with RIMS1-related conditions. Algorithms developed to predict the effect of missense changes on protein structure and function are either unavailable or do not agree on the potential impact of this missense change (SIFT: "Deleterious"; PolyPhen-2: "Probably Damaging"; Align-GVGD: "Class C0"). Algorithms developed to predict the effect of sequence changes on RNA splicing suggest that this variant may create or strengthen a splice site. In summary, the available evidence is currently insufficient to determine the role of this variant in disease. Therefore, it has been classified as a Variant of Uncertain Significance.

NM_014989.7(RIMS1):c.3461A>G (p.His1154Arg)

Gene: RIMS1 (regulating synaptic membrane exocytosis 1; plus strand). Cytogenetic location: 6q13.
Variant type: single nucleotide variant.
Coding change: c.3461A>G on transcript NM_014989.7 (MANE Select); coding-DNA position 3461, A replaced by G.
Protein change: p.His1154Arg; replaces histidine 1154 with arginine.
Molecular consequence: missense variant. On other transcripts: intron variant (58).
Genome position (GRCh38, 1-based): chr6:72,274,411, A>G. VCF-style: chr6-72274411-A-G. GRCh37 (hg19) VCF-style: chr6-72984114-A-G.
Other names: c.1688A>G, p.His563Arg (NM_001350415.2, NM_001350445.2); c.1691A>G, p.His564Arg (NM_001350433.2); c.1625A>G, p.His542Arg (NM_001350435.2); c.1619A>G, p.His540Arg (NM_001350437.2); c.1559+8362A>G (NM_001350428.2, NM_001350459.2, NM_001350424.2 and 1 more transcripts); c.1556+8362A>G (NM_001350430.2, NM_001350421.2, NM_001350450.2); c.1706+8362A>G (NM_001350458.2); c.1628+8362A>G (NM_001350446.2, NM_001350442.2, NM_001350416.2 and 7 more transcripts); and 20 more; short protein forms H563R, H540R, H1154R, H564R, H542R.
Identifiers: ClinVar variation 1378888 (VCV001378888.8), dbSNP rs1243887480, ClinGen allele CA364687451.